The following is an entry in ClinVar:

NM_001369.3(DNAH5):c.9580G>T (p.Val3194Leu)

Gene: DNAH5 (dynein axonemal heavy chain 5; minus strand). Cytogenetic location: 5p15.2.
Variant type: single nucleotide variant.
Coding change: c.9580G>T on transcript NM_001369.3 (MANE Select); coding-DNA position 9580, G replaced by T.
Protein change: p.Val3194Leu; replaces valine 3194 with leucine.
Molecular consequence: missense variant.
Genome position (GRCh38, 1-based): chr5:13,770,774, C>A on the plus strand (G>T on the coding strand, the complement: DNAH5 is on the minus strand). VCF-style: chr5-13770774-C-A. GRCh37 (hg19) VCF-style: chr5-13770883-C-A.
Other names: short protein forms V3194L.
Identifiers: ClinVar variation 1427974 (VCV001427974.6), dbSNP rs2126785528, ClinGen allele CA359204187.

ClinVar aggregate classification (germline): Uncertain significance (1 of 4 stars; one submission).

Conditions:
Primary ciliary dyskinesia. Also called: Ciliary dyskinesia. Identifiers: Orphanet 244, MedGen C0008780, MONDO:0016575, HP:0012265.

Submission:

Labcorp Genetics (formerly Invitae), Labcorp
Classification: Uncertain significance for Primary ciliary dyskinesia. Last evaluated: 2022-07-19. Review status: criteria provided, single submitter. Criteria: Invitae Variant Classification Sherloc (09022015). Collection method: clinical testing. Allele origin: germline.
Comment: ClinVar contains an entry for this variant (Variation ID: 1427974). In summary, the available evidence is currently insufficient to determine the role of this variant in disease. Therefore, it has been classified as a Variant of Uncertain Significance. Advanced modeling of protein sequence and biophysical properties (such as structural, functional, and spatial information, amino acid conservation, physicochemical variation, residue mobility, and thermodynamic stability) performed at Invitae indicates that this missense variant is not expected to disrupt DNAH5 protein function. This variant has not been reported in the literature in individuals affected with DNAH5-related conditions. This variant is not present in population databases (gnomAD no frequency). This sequence change replaces valine, which is neutral and non-polar, with leucine, which is neutral and non-polar, at codon 3194 of the DNAH5 protein (p.Val3194Leu).